The following is an entry in ClinVar:

ClinVar aggregate classification (germline): Likely benign (1 of 4 stars; one submission).

Conditions:
Catecholaminergic polymorphic ventricular tachycardia (CVPT). Also called: Catecholamine-induced polymorphic ventricular tachycardia. Identifiers: Orphanet 3286, MedGen C5574922, MONDO:0017990.

Allele frequency attached by ClinVar (database versions not stated): TOPMed below 0.00001.
gnomAD v4.1: 1 of 1,613,568 alleles (0.000062%); highest among the groups gnomAD compares: Non-Finnish European, 0.000085%; no homozygotes.

Submission:

All of Us Research Program, National Institutes of Health
Classification: Likely benign for Catecholaminergic polymorphic ventricular tachycardia. Last evaluated: 2023-02-24. Review status: criteria provided, single submitter. Criteria: ACMG Guidelines, 2015. Collection method: clinical testing. Allele origin: germline. Inheritance: Autosomal dominant inheritance. Observed: 1 variant allele, 1 heterozygote.
Comment: This study involves interpretation of variants in research participants for the purpose of population health screening. Participant phenotype was not available at the time of variant classification. Additional details can be found in publication PMID: 35346344, PMCID: PMC8962531

NM_001035.3(RYR2):c.1020A>C (p.Val340=)

Gene: RYR2 (ryanodine receptor 2; plus strand). Cytogenetic location: 1q43.
Variant type: single nucleotide variant.
Coding change: c.1020A>C on transcript NM_001035.3 (MANE Select); coding-DNA position 1020, A replaced by C.
Protein change: p.Val340=; no amino-acid change (valine 340 retained).
Molecular consequence: synonymous variant.
Genome position (GRCh38, 1-based): chr1:237,441,333, A>C. VCF-style: chr1-237441333-A-C. GRCh37 (hg19) VCF-style: chr1-237604633-A-C.
Identifiers: ClinVar variation 3069604 (VCV003069604.1), dbSNP rs1707879401, ClinGen allele CA423811513.